The following is an entry in ClinVar:

NM_001042492.3(NF1):c.4050C>G (p.Ile1350Met)

Gene: NF1 (neurofibromin 1; plus strand). Cytogenetic location: 17q11.2.
Variant type: single nucleotide variant.
Coding change: c.4050C>G on transcript NM_001042492.3 (MANE Select); coding-DNA position 4050, C replaced by G.
Protein change: p.Ile1350Met; replaces isoleucine 1350 with methionine.
Molecular consequence: missense variant.
Genome position (GRCh38, 1-based): chr17:31,249,059, C>G. VCF-style: chr17-31249059-C-G. GRCh37 (hg19) VCF-style: chr17-29576077-C-G.
Other names: c.4050C>G, p.Ile1350Met (NM_000267.4); short protein forms I1350M.
Identifiers: ClinVar variation 3634546 (VCV003634546.2).
Genomic context (GRCh38, chr17:31,249,059, plus strand): 5'-GAGCCTTGAGGAAAACCAGCGGAACCTCCTTCAGATGACTGAAAAGTTCTTCCATGCCAT[C>G]ATCAGTTCCTCCTCAGAATTCCCCCCTCAACTTCGAAGTGTGTGCCACTGTTTATACCAG-3'
Protein context (NP_001035957.1, residues 1340-1360): LQMTEKFFHA[Ile1350Met]ISSSSEFPPQ

ClinVar aggregate classification (germline): Uncertain significance (1 of 4 stars; one submission).

Conditions:
Neurofibromatosis, type 1 (NF1). Also called: VON RECKLINGHAUSEN DISEASE; Peripheral type neurofibromatosis; NEUROFIBROMATOSIS, TYPE I, SOMATIC; Neurofibromatosis, type I. Identifiers: Orphanet 636, MedGen C0027831, MONDO:0018975, OMIM 162200. Disease mechanism: loss of function.

Submission:

Labcorp Genetics (formerly Invitae), Labcorp
Classification: Uncertain significance for Neurofibromatosis, type 1. Last evaluated: 2024-11-12. Review status: criteria provided, single submitter. Criteria: Invitae Variant Classification Sherloc (09022015). Collection method: clinical testing. Allele origin: germline.
Comment: This sequence change replaces isoleucine, which is neutral and non-polar, with methionine, which is neutral and non-polar, at codon 1350 of the NF1 protein (p.Ile1350Met). This variant is not present in population databases (gnomAD no frequency). This variant has not been reported in the literature in individuals affected with NF1-related conditions. Invitae Evidence Modeling of protein sequence and biophysical properties (such as structural, functional, and spatial information, amino acid conservation, physicochemical variation, residue mobility, and thermodynamic stability) indicates that this missense variant is expected to disrupt NF1 protein function with a positive predictive value of 95%. In summary, the available evidence is currently insufficient to determine the role of this variant in disease. Therefore, it has been classified as a Variant of Uncertain Significance.